The following is an entry in ClinVar:

NM_001164508.2(NEB):c.1366-12T>G

Gene: NEB (nebulin; minus strand). Cytogenetic location: 2q23.3.
Variant type: single nucleotide variant.
Coding change: c.1366-12T>G on transcript NM_001164508.2 (MANE Select); 12 bases into the intron before coding-DNA position 1366, T replaced by G.
Molecular consequence: intron variant.
Genome position (GRCh38, 1-based): chr2:151,697,264, A>C on the plus strand (T>G on the coding strand, the complement: NEB is on the minus strand). VCF-style: chr2-151697264-A-C. GRCh37 (hg19) VCF-style: chr2-152553778-A-C.
Other names: c.1366-12T>G (NM_004543.5, NM_001164507.2, NM_001271208.2).
Identifiers: ClinVar variation 389442 (VCV000389442.5), dbSNP rs1057523429, ClinGen allele CA16603883.

ClinVar aggregate classification (germline): Likely benign. Review status: criteria provided, multiple submitters, no conflicts (2 of 4 stars). 2 submissions from 2 submitters: Likely benign (2). Last evaluated 2026-01-03.

Conditions:
Nemaline myopathy 2 (NEM2). Also called: Nemaline myopathy 2, autosomal recessive. Identifiers: MedGen C1850569, MONDO:0009725, OMIM 256030.

Allele frequency attached by ClinVar (database versions not stated): gnomAD exomes below 0.00001; TOPMed below 0.00001.
gnomAD v4.1: 1 of 1,612,998 alleles (0.000062%); highest among the groups gnomAD compares: Admixed American, 0.0017%; no homozygotes.

Submissions (2):

Labcorp Genetics (formerly Invitae), Labcorp
Classification: Likely benign for Nemaline myopathy 2. Last evaluated: 2026-01-03. Review status: criteria provided, single submitter. Criteria: Invitae Variant Classification Sherloc (09022015). Collection method: clinical testing. Allele origin: germline.

GeneDx
Classification: Likely benign. Last evaluated: 2016-09-30. Review status: criteria provided, single submitter. Criteria: GeneDx Variant Classification (06012015). Collection method: clinical testing. Allele origin: germline. Affected: yes.
Comment: This variant is considered likely benign or benign based on one or more of the following criteria: it is a conservative change, it occurs at a poorly conserved position in the protein, it is predicted to be benign by multiple in silico algorithms, and/or has population frequency not consistent with disease.